The following is an entry in ClinVar:

ClinVar aggregate classification (germline): Uncertain significance (1 of 4 stars; one submission).

Conditions:
Cutis laxa, X-linked (OHS). Also called: EDS IX; Occipital horn syndrome. Identifiers: Orphanet 198, MedGen C0268353, MONDO:0010572, OMIM 304150.
X-linked distal spinal muscular atrophy type 3. Also called: ATP7A-Related Distal Motor Neuropathy; SPINAL MUSCULAR ATROPHY, DISTAL, X-LINKED RECESSIVE; NEURONOPATHY, DISTAL HEREDITARY MOTOR, X-LINKED; NEUROPATHY, DISTAL HEREDITARY MOTOR, X-LINKED. Identifiers: Orphanet 139557, MedGen C1845359, MONDO:0010338, OMIM 300489.
Menkes kinky-hair syndrome (MNK). Also called: Copper transport disease; Classic Menkes Disease; Menkes Disease. Identifiers: Orphanet 565, MedGen C0022716, MONDO:0010651, OMIM 309400.

gnomAD v4.1: 1 of 1,207,612 alleles (0.000083%); highest among the groups gnomAD compares: African/African-American, 0.0017%; no homozygotes.

Submission:

Juno Genomics, Hangzhou Juno Genomics, Inc
Classification: Uncertain significance for Menkes kinky-hair syndrome; X-linked distal spinal muscular atrophy type 3; Cutis laxa, X-linked. Review status: criteria provided, single submitter. Criteria: ACMG Guidelines, 2015. Collection method: clinical testing. Allele origin: germline.
Comment: Absent from controls (or at extremely low frequency if recessive) in Genome Aggregation Database.;Multiple lines of computational evidence support a deleterious effect on the gene or gene product.

NM_000052.7(ATP7A):c.2804A>G (p.Asp935Gly)

Gene: ATP7A (ATPase copper transporting alpha; plus strand). Cytogenetic location: Xq21.1.
Variant type: single nucleotide variant.
Coding change: c.2804A>G on transcript NM_000052.7 (MANE Select); coding-DNA position 2804, A replaced by G.
Protein change: p.Asp935Gly; replaces aspartic acid 935 with glycine.
Molecular consequence: missense variant.
Genome position (GRCh38, 1-based): chrX:78,020,967, A>G. VCF-style: chrX-78020967-A-G. GRCh37 (hg19) VCF-style: chrX-77276464-A-G.
Other names: c.2570A>G, p.Asp857Gly (NM_001282224.2); short protein forms D857G, D935G.
Identifiers: ClinVar variation 5019647 (VCV005019647.2).
Genomic context (GRCh38, chrX:78,020,967, plus strand): 5'-CTTCTTCTTCTTATTATTGTTGTTATTTTTAATTCTAGGCTCCTATCCAGCAGTTTGCAG[A>G]CAAACTCAGTGGCTATTTTGTTCCTTTTATTGTTTTTGTTTCCATTGCCACCCTCTTGGT-3'
Protein context (NP_000043.4, residues 925-945): TSKAPIQQFA[Asp935Gly]KLSGYFVPFI